The following is an entry in ClinVar:

NM_015978.3(TNNI3K):c.2121A>C (p.Glu707Asp)

Genes: FPGT-TNNI3K (FPGT-TNNI3K readthrough; plus strand), TNNI3K (TNNI3 interacting kinase; plus strand). Cytogenetic location: 1p31.1.
Variant type: single nucleotide variant.
Coding change: c.2121A>C on transcript NM_015978.3 (MANE Select); coding-DNA position 2121, A replaced by C.
Protein change: p.Glu707Asp; replaces glutamic acid 707 with aspartic acid.
Molecular consequence: missense variant.
Genome position (GRCh38, 1-based): chr1:74,463,550, A>C. VCF-style: chr1-74463550-A-C. GRCh37 (hg19) VCF-style: chr1-74929234-A-C.
Other names: c.2424A>C, p.Glu808Asp (NM_001112808.3, NM_001199327.2); short protein forms E707D, E808D.
Identifiers: ClinVar variation 1353325 (VCV001353325.8), dbSNP rs745818218, ClinGen allele CA909592.

ClinVar aggregate classification (germline): Uncertain significance (1 of 4 stars; one submission).

Allele frequency attached by ClinVar (database versions not stated): ExAC 0.00001; gnomAD 0.00001; gnomAD exomes 0.00001 and 0.00002; TOPMed 0.00002.
gnomAD v4.1: 8 of 1,614,022 alleles (0.0005%); highest among the groups gnomAD compares: Admixed American, 0.012%; no homozygotes.

Submission:

Labcorp Genetics (formerly Invitae), Labcorp
Classification: Uncertain significance. Last evaluated: 2025-12-06. Review status: criteria provided, single submitter. Criteria: Invitae Variant Classification Sherloc (09022015). Collection method: clinical testing. Allele origin: germline.
Comment: This sequence change replaces glutamic acid, which is acidic and polar, with aspartic acid, which is acidic and polar, at codon 707 of the TNNI3K protein (p.Glu707Asp). This variant is present in population databases (rs745818218, gnomAD 0.02%). This variant has not been reported in the literature in individuals affected with TNNI3K-related conditions. ClinVar contains an entry for this variant (Variation ID: 1353325). An algorithm developed to predict the effect of missense changes on protein structure and function (PolyPhen-2) suggests that this variant is likely to be tolerated. In summary, the available evidence is currently insufficient to determine the role of this variant in disease. Therefore, it has been classified as a Variant of Uncertain Significance.